The following is an entry in ClinVar:

NM_031310.3(PLVAP):c.1023C>G (p.Ser341=)

Gene: PLVAP (plasmalemma vesicle associated protein; minus strand). Cytogenetic location: 19p13.11.
Variant type: single nucleotide variant.
Coding change: c.1023C>G on transcript NM_031310.3 (MANE Select); coding-DNA position 1023, C replaced by G.
Protein change: p.Ser341=; no amino-acid change (serine 341 retained).
Molecular consequence: synonymous variant.
Genome position (GRCh38, 1-based): chr19:17,365,442, G>C on the plus strand (C>G on the coding strand, the complement: PLVAP is on the minus strand). VCF-style: chr19-17365442-G-C. GRCh37 (hg19) VCF-style: chr19-17476251-G-C.
Other names: p.Ser341=; c.1023C>G (NM_031310.2).
Identifiers: ClinVar variation 2040628 (VCV002040628.7), dbSNP rs3810208, ClinGen allele CA9293903.
Genomic context (GRCh38, chr19:17,365,442, plus strand): 5'-CAGGTTGTCTCGTTCCTTCCGCAGCACCGCCTTCTCCTCCAGCGCTAGCTGGGTCTGCCG[G>C]GAGCATTCAGCTTGGAGCTTGGCCTCCCGGGCCTGAGCCTCCTTCTCCACCTTCTGTTTC-3'
Protein context (NP_112600.1, residues 331-351): AREAKLQAEC[Ser341=]RQTQLALEEK

ClinVar aggregate classification (germline): Benign. Review status: criteria provided, multiple submitters, no conflicts (2 of 4 stars). 3 submissions from 3 submitters: Benign (2). 1 of the submissions does not count toward it. Last evaluated 2026-02-04.

Conditions:
PLVAP-related disorder. Also called: PLVAP-related condition.

Allele frequency attached by ClinVar (database versions not stated): gnomAD exomes 0.00422; ExAC 0.01259; ESP Exome Variant Server 0.01376; gnomAD 0.01589; TOPMed 0.01807; 1000 Genomes Project 30x 0.03248; 1000 Genomes Project 0.03395.
gnomAD v4.1: 8,810 of 1,612,990 alleles (0.55%); highest among the groups gnomAD compares: East Asian, 5.3%; 185 homozygotes.

Submissions (3):

Labcorp Genetics (formerly Invitae), Labcorp
Classification: Benign. Last evaluated: 2026-02-04. Review status: criteria provided, single submitter. Criteria: Invitae Variant Classification Sherloc (09022015). Collection method: clinical testing. Allele origin: germline.

Mayo Clinic Laboratories, Mayo Clinic
Classification: Benign. Last evaluated: 2022-09-06. Review status: criteria provided, single submitter. Criteria: ACMG Guidelines, 2015. Collection method: clinical testing. Allele origin: germline. Observed: 3 variant alleles.

PreventionGenetics, part of Exact Sciences
Classification: Benign for PLVAP-related condition. Last evaluated: 2019-03-18. Review status: no assertion criteria provided. Collection method: clinical testing. Allele origin: germline. Not counted in ClinVar's aggregate classification.
Comment: This variant is classified as benign based on ACMG/AMP sequence variant interpretation guidelines (Richards et al. 2015 PMID: 25741868, with internal and published modifications).